The following is an entry in ClinVar:

ClinVar aggregate classification (germline): Benign. Review status: criteria provided, multiple submitters, no conflicts (2 of 4 stars). 3 submissions from 3 submitters: Benign (3). Last evaluated 2019-01-10.

Conditions:
Melanoma, cutaneous malignant, susceptibility to, 5. Also called: Cutaneous malignant melanoma 5. Identifiers: Orphanet 618, MedGen C2751295, MONDO:0013133, OMIM 613099.

Allele frequency attached by ClinVar (database versions not stated): TOPMed 0.61477; 1000 Genomes Project 0.74980; 1000 Genomes Project 30x 0.75172; gnomAD exomes 0.52980; gnomAD 0.59709.

Submissions (3):

GeneDx
Classification: Benign. Last evaluated: 2019-01-10. Review status: criteria provided, single submitter. Criteria: GeneDx Variant Classification Process June 2021. Collection method: clinical testing. Allele origin: germline. Affected: yes.

Illumina Laboratory Services, Illumina
Classification: Benign for Melanoma, cutaneous malignant, susceptibility to, 5. Last evaluated: 2018-01-12. Review status: criteria provided, single submitter. Criteria: ICSL Variant Classification Criteria 13 December 2019. Collection method: clinical testing. Allele origin: germline.
Comment: This variant was observed in the ICSL laboratory as part of a predisposition screen in an ostensibly healthy population. It had not been previously curated by ICSL or reported in the Human Gene Mutation Database (HGMD: prior to June 1st, 2018), and was therefore a candidate for classification through an automated scoring system. Utilizing variant allele frequency, disease prevalence and penetrance estimates, and inheritance mode, an automated score was calculated to assess if this variant is too frequent to cause the disease. Based on the score and internal cut-off values, a variant classified as benign is not then subjected to further curation. The score for this variant resulted in a classification of benign for this disease.

Breakthrough Genomics
Classification: Benign. Review status: criteria provided, single submitter. Criteria: ACMG Guidelines, 2015. Collection method: not provided. Allele origin: germline. Inheritance: Autosomal recessive inheritance. Affected: yes.

NM_002386.3(MC1R):c.-1063T>C

Gene: MC1R (melanocortin 1 receptor; plus strand). Cytogenetic location: 16q24.3.
Variant type: single nucleotide variant.
Coding change: c.-1063T>C on transcript NM_002386.3; 1063 bases upstream of the start codon, T replaced by C.
Genome position (GRCh38, 1-based): chr16:89,918,196, T>C. VCF-style: chr16-89918196-T-C. GRCh37 (hg19) VCF-style: chr16-89984604-T-C.
Identifiers: ClinVar variation 321389 (VCV000321389.10), dbSNP rs3212357, ClinGen allele CA10638697.